The following is an entry in ClinVar:

ClinVar aggregate classification (germline): Uncertain significance (1 of 4 stars; one submission).

Allele frequency attached by ClinVar (database versions not stated): ExAC 0.00006; TOPMed 0.00006; gnomAD 0.00009; 1000 Genomes Project 0.00040; 1000 Genomes Project 30x 0.00078.
gnomAD v4.1: 97 of 1,605,326 alleles (0.006%); highest among the groups gnomAD compares: South Asian, 0.0099%; no homozygotes.

Submissions (3):

CeGaT Center for Human Genetics Tuebingen
Classification: Uncertain significance. Last evaluated: 2022-10-01. Review status: criteria provided, single submitter. Criteria: CeGaT Center For Human Genetics Tuebingen Variant Classification Criteria Version 2. Collection method: clinical testing. Allele origin: germline. Affected: yes. Observed: 1 variant allele.
Comment: PAK1: PP2, BP4

Dr. Peter K. Rogan Lab, Western University
No classification provided (evidence only). Condition: Colon adenocarcinoma. Review status: no classification provided. Collection method: in vitro. Allele origin: not applicable. Functional consequence: retained intron. Not counted in ClinVar's aggregate classification.

Dr. Peter K. Rogan Lab, Western University
No classification provided (evidence only). Condition: Malignant tumor of esophagus. Review status: no classification provided. Collection method: in vitro. Allele origin: not applicable. Functional consequence: retained intron. Not counted in ClinVar's aggregate classification.

NM_002576.5(PAK1):c.1557A>G (p.Gln519=)

Gene: PAK1 (p21 (RAC1) activated kinase 1; minus strand). Cytogenetic location: 11q13.5.
Variant type: single nucleotide variant.
Coding change: c.1557A>G on transcript NM_002576.5 (MANE Select); coding-DNA position 1557, A replaced by G.
Protein change: p.Gln519=; no amino-acid change (glutamine 519 retained).
Molecular consequence: synonymous variant. On other transcripts: missense variant (7), non-coding transcript variant (2), intron variant (1).
Genome position (GRCh38, 1-based): chr11:77,323,355, T>C on the plus strand (A>G on the coding strand, the complement: PAK1 is on the minus strand). VCF-style: chr11-77323355-T-C. GRCh37 (hg19) VCF-style: chr11-77034400-T-C.
Other names: NC_000011.9:g.77034400T>C; c.1606A>G, p.Ile536Val (NM_001128620.2, NM_001376268.1, NM_001376269.1 and 2 more transcripts); c.1578A>G, p.Gln526= (NM_001376272.1); c.1557A>G, p.Gln519= (NM_001376273.1, NM_001376274.1, NM_001376275.1 and 12 more transcripts); c.1468A>G, p.Ile490Val (NM_001376289.1); c.1434A>G, p.Gln478= (NM_001376290.1, NM_001376291.1); c.1419A>G, p.Gln473= (NM_001376292.1, NM_001376293.1); c.1410A>G, p.Gln470= (NM_001376294.1); and 6 more; short protein forms I438V, I490V, I536V.
Identifiers: ClinVar variation 2642182 (VCV002642182.25), dbSNP rs114048423, ClinGen allele CA6199816.
Genomic context (GRCh38, chr11:77,323,355, plus strand): 5'-CTCCTTAGCTGCAGCAATCAGTGGAGTGAGGCTGGAGAGGGGCTTGGCAATCTTCAGGAA[T>C]TGATGCTAGAAAGGAGAAAAATAGCAAAAGACACATGACTATTTAACATTCTTCCCCAGT-3'
Protein context (NP_002567.3, residues 509-529): RGSAKELLQH[Gln519=]FLKIAKPLSS